The following is an entry in ClinVar:

NM_003998.4(NFKB1):c.731-3C>T

Gene: NFKB1 (nuclear factor kappa B subunit 1; plus strand). Cytogenetic location: 4q24.
Variant type: single nucleotide variant.
Coding change: c.731-3C>T on transcript NM_003998.4 (MANE Select); 3 bases into the intron before coding-DNA position 731, C replaced by T.
Molecular consequence: intron variant.
Genome position (GRCh38, 1-based): chr4:102,580,532, C>T. VCF-style: chr4-102580532-C-T. GRCh37 (hg19) VCF-style: chr4-103501689-C-T.
Other names: c.731-3C>T (NM_001382626.1, NM_001382625.1); c.728-3C>T (NM_001382627.1, NM_001165412.2, NM_001319226.2); c.689-3C>T (NM_001382628.1).
Identifiers: ClinVar variation 1475202 (VCV001475202.7), dbSNP rs144345189, ClinGen allele CA3025991.

ClinVar aggregate classification (germline): Uncertain significance (1 of 4 stars; one submission).

Allele frequency attached by ClinVar (database versions not stated): gnomAD 0.00001 and 0.00003; gnomAD exomes 0.00002 and 0.00003; TOPMed 0.00002; ExAC 0.00003; 1000 Genomes Project 30x 0.00016; 1000 Genomes Project 0.00020.
gnomAD v4.1: 27 of 1,613,300 alleles (0.0017%); highest among the groups gnomAD compares: Non-Finnish European, 0.0022%; no homozygotes.

Submissions (2):

Labcorp Genetics (formerly Invitae), Labcorp
Classification: Uncertain significance. Last evaluated: 2024-12-12. Review status: criteria provided, single submitter. Criteria: Invitae Variant Classification Sherloc (09022015). Collection method: clinical testing. Allele origin: germline.
Comment: This sequence change falls in intron 8 of the NFKB1 gene. It does not directly change the encoded amino acid sequence of the NFKB1 protein. It affects a nucleotide within the consensus splice site. This variant is present in population databases (rs144345189, gnomAD 0.007%). This variant has not been reported in the literature in individuals affected with NFKB1-related conditions. ClinVar contains an entry for this variant (Variation ID: 1475202). Variants that disrupt the consensus splice site are a relatively common cause of aberrant splicing (PMID: 17576681, 9536098). Algorithms developed to predict the effect of sequence changes on RNA splicing suggest that this variant is not likely to affect RNA splicing. In summary, the available evidence is currently insufficient to determine the role of this variant in disease. Therefore, it has been classified as a Variant of Uncertain Significance.

Dr. Peter K. Rogan Lab, Western University
No classification provided (evidence only). Condition: Melanoma. Review status: no classification provided. Collection method: in vitro. Allele origin: not applicable. Functional consequence: skipped exon, retained intron. Not counted in ClinVar's aggregate classification.

Literature cited by the submitters: PubMed 17576681 (cited by Labcorp Genetics (formerly Invitae), Labcorp); PubMed 9536098 (cited by Labcorp Genetics (formerly Invitae), Labcorp).